The following is an entry in ClinVar:

ClinVar aggregate classification (germline): Uncertain significance. Review status: criteria provided, multiple submitters, no conflicts (2 of 4 stars). 5 submissions from 5 submitters: Uncertain significance (5). Last evaluated 2025-03-28.

Conditions:
Congenital Muscular Dystrophy, alpha-dystroglycan related.
Muscular dystrophy-dystroglycanopathy (congenital with brain and eye anomalies), type A, 7. Also called: WALKER-WARBURG SYNDROME OR MUSCLE-EYE-BRAIN DISEASE, ISPD-RELATED; Congenital muscular dystrophy-dystroglycanopathy with brain and eye anomalies, type A7. Identifiers: Orphanet 899, MedGen C3553330, MONDO:0013835, OMIM 614643.
Autosomal recessive limb-girdle muscular dystrophy type 2U. Also called: Muscular dystrophy-dystroglycanopathy (limb-girdle), type c, 7; MUSCULAR DYSTROPHY, LIMB-GIRDLE, TYPE 2U. Identifiers: Orphanet 352479, MedGen C5190987, MONDO:0014474, OMIM 616052.

Allele frequency attached by ClinVar (database versions not stated): TOPMed 0.00004; gnomAD 0.00005; gnomAD exomes 0.00006 and 0.00008; ExAC 0.00008; ESP Exome Variant Server 0.00008.
gnomAD v4.1: 99 of 1,612,976 alleles (0.0061%); highest among the groups gnomAD compares: Non-Finnish European, 0.008%; no homozygotes.

Submissions (5):

Revvity Omics, Revvity
Classification: Uncertain significance. Last evaluated: 2025-03-28. Review status: criteria provided, single submitter. Criteria: ACMG Guidelines, 2015. Collection method: clinical testing. Allele origin: germline.

Blueprint Genetics
Classification: Uncertain significance. Last evaluated: 2024-11-05. Review status: criteria provided, single submitter. Criteria: ACMG Guidelines, 2015. Collection method: clinical testing. Allele origin: germline.

Ambry Genetics
Classification: Uncertain significance. Last evaluated: 2023-07-12. Review status: criteria provided, single submitter. Criteria: Ambry Variant Classification Scheme 2023. Collection method: clinical testing. Allele origin: germline.

Labcorp Genetics (formerly Invitae), Labcorp
Classification: Uncertain significance for Muscular dystrophy-dystroglycanopathy (congenital with brain and eye anomalies), type A, 7; Autosomal recessive limb-girdle muscular dystrophy type 2U. Last evaluated: 2022-10-17. Review status: criteria provided, single submitter. Criteria: Invitae Variant Classification Sherloc (09022015). Collection method: clinical testing. Allele origin: germline.
Comment: This sequence change replaces arginine, which is basic and polar, with threonine, which is neutral and polar, at codon 209 of the ISPD protein (p.Arg209Thr). This variant is present in population databases (rs374054216, gnomAD 0.02%). This variant has not been reported in the literature in individuals affected with ISPD-related conditions. ClinVar contains an entry for this variant (Variation ID: 359589). Algorithms developed to predict the effect of missense changes on protein structure and function (SIFT, PolyPhen-2, Align-GVGD) all suggest that this variant is likely to be disruptive. In summary, the available evidence is currently insufficient to determine the role of this variant in disease. Therefore, it has been classified as a Variant of Uncertain Significance.

Illumina Laboratory Services, Illumina
Classification: Uncertain significance for Congenital Muscular Dystrophy, alpha-dystroglycan related. Last evaluated: 2018-01-13. Review status: criteria provided, single submitter. Criteria: ICSL Variant Classification Criteria 13 December 2019. Collection method: clinical testing. Allele origin: germline.

NM_001101426.4(CRPPA):c.626G>C (p.Arg209Thr)

Gene: CRPPA (CDP-L-ribitol pyrophosphorylase A; minus strand). Cytogenetic location: 7p21.2.
Variant type: single nucleotide variant.
Coding change: c.626G>C on transcript NM_001101426.4 (MANE Select); coding-DNA position 626, G replaced by C.
Protein change: p.Arg209Thr; replaces arginine 209 with threonine.
Molecular consequence: missense variant. On other transcripts: non-coding transcript variant (1), intron variant (1).
Genome position (GRCh38, 1-based): chr7:16,376,150, C>G on the plus strand (G>C on the coding strand, the complement: CRPPA is on the minus strand). VCF-style: chr7-16376150-C-G. GRCh37 (hg19) VCF-style: chr7-16415775-C-G.
Other names: c.626G>C, p.Arg209Thr (NM_001368197.1); c.534+29911G>C (NM_001101417.4); short protein forms R209T.
Identifiers: ClinVar variation 359589 (VCV000359589.14), dbSNP rs374054216, ClinGen allele CA4169554.
Genomic context (GRCh38, chr7:16,376,150, plus strand): 5'-ACCTGCTGATATGCTTCATAAATCACATCAAATAGAAAAGCTTGGGGCATTTCACTTGCT[C>G]TGTGTCTGGCACGTTCTAGCGAGTAGTCTAAGCAACCATCAGCAGATGGACTGACGACAG-3'
Protein context (NP_001094896.1, residues 199-219): LDYSLERARH[Arg209Thr]ASEMPQAFLF